The following is an entry in ClinVar:

ClinVar aggregate classification (germline): Uncertain significance. Review status: criteria provided, multiple submitters, no conflicts (2 of 4 stars). 2 submissions from 2 submitters: Uncertain significance (2). Last evaluated 2025-01-09.

gnomAD v4.1: 5 of 1,613,726 alleles (0.00031%); highest among the groups gnomAD compares: Admixed American, 0.0083%; no homozygotes.

Submissions (2):

Athena Diagnostics
Classification: Uncertain significance. Last evaluated: 2025-01-09. Review status: criteria provided, single submitter. Criteria: Athena Diagnostics Criteria. Collection method: clinical testing. Allele origin: unknown.
Comment: Available data are insufficient to determine the clinical significance of the variant at this time. The frequency of this variant in the general population is uninformative in assessment of its pathogenicity. Polyphen and MutationTaster yielded discordant predictions regarding whether this amino acid change is damaging to the protein.

GeneDx
Classification: Uncertain significance. Last evaluated: 2024-07-08. Review status: criteria provided, single submitter. Criteria: GeneDx Variant Classification Process June 2021. Collection method: clinical testing. Allele origin: germline. Affected: yes.
Comment: In silico analysis supports that this missense variant has a deleterious effect on protein structure/function; Has not been previously published as pathogenic or benign to our knowledge

NM_002296.4(LBR):c.113C>A (p.Thr38Asn)

Gene: LBR (lamin B receptor; minus strand). Cytogenetic location: 1q42.12.
Variant type: single nucleotide variant.
Coding change: c.113C>A on transcript NM_002296.4 (MANE Select); coding-DNA position 113, C replaced by A.
Protein change: p.Thr38Asn; replaces threonine 38 with asparagine.
Molecular consequence: missense variant.
Genome position (GRCh38, 1-based): chr1:225,423,963, G>T on the plus strand (C>A on the coding strand, the complement: LBR is on the minus strand). VCF-style: chr1-225423963-G-T. GRCh37 (hg19) VCF-style: chr1-225611665-G-T.
Other names: c.113C>A, p.Thr38Asn (NM_194442.3); c.113C>A (NM_002296.2); short protein forms T38N.
Identifiers: ClinVar variation 3572694 (VCV003572694.2).
Genomic context (GRCh38, chr1:225,423,963, plus strand): 5'-GCTCTTACCTTAATATCATTCTCTTTCAATTCAAGCTCTGTTCCATCTTTATACTTCACA[G>T]TGTAAAGCTGGGAGGTGCTGTCGTGGCTCAGAATTTCTACTTCATAATAAAGTGAACTCC-3'
Protein context (NP_002287.2, residues 28-48): LSHDSTSQLY[Thr38Asn]VKYKDGTELE